The following is an entry in ClinVar:

ClinVar aggregate classification (germline): Uncertain significance (1 of 4 stars; one submission).

Conditions:
Hereditary cancer-predisposing syndrome. Also called: Hereditary Cancer Syndrome; Tumor predisposition; Hereditary neoplastic syndrome; Neoplastic Syndromes, Hereditary. Identifiers: Orphanet 140162, MedGen C0027672, MeSH D009386, MONDO:0015356.

Submission:

Labcorp Genetics (formerly Invitae), Labcorp
Classification: Uncertain significance for Hereditary cancer-predisposing syndrome. Last evaluated: 2021-02-16. Review status: criteria provided, single submitter. Criteria: Invitae Variant Classification Sherloc (09022015). Collection method: clinical testing. Allele origin: germline.
Comment: This sequence change replaces glutamine with proline at codon 350 of the RAD50 protein (p.Gln350Pro). The glutamine residue is moderately conserved and there is a moderate physicochemical difference between glutamine and proline. This variant is not present in population databases (ExAC no frequency). This variant has not been reported in the literature in individuals with RAD50-related conditions. Algorithms developed to predict the effect of missense changes on protein structure and function are either unavailable or do not agree on the potential impact of this missense change (SIFT: "Tolerated"; PolyPhen-2: "Possibly Damaging"; Align-GVGD: "Class C0"). In summary, the available evidence is currently insufficient to determine the role of this variant in disease. Therefore, it has been classified as a Variant of Uncertain Significance.

NM_005732.4(RAD50):c.1049A>C (p.Gln350Pro)

Gene: RAD50 (RAD50 double strand break repair protein; plus strand). Cytogenetic location: 5q31.1.
Variant type: single nucleotide variant.
Coding change: c.1049A>C on transcript NM_005732.4 (MANE Select); coding-DNA position 1049, A replaced by C.
Protein change: p.Gln350Pro; replaces glutamine 350 with proline.
Molecular consequence: missense variant.
Genome position (GRCh38, 1-based): chr5:132,588,087, A>C. VCF-style: chr5-132588087-A-C. GRCh37 (hg19) VCF-style: chr5-131923779-A-C.
Other names: short protein forms Q350P.
Identifiers: ClinVar variation 1409609 (VCV001409609.8), dbSNP rs751434866, ClinGen allele CA360941740.
Genomic context (GRCh38, chr5:132,588,087, plus strand): 5'-AAAAACTAAATAAAGAATCTAGGCTTCTCAATCAGGAAAAATCAGAACTGCTTGTTGAAC[A>C]GGGTAGGACAAAATGTTTATTTGGTCGTTTTTCCTACTATGATGTTATACATTTTCTGTA-3'
Protein context (NP_005723.2, residues 340-360): NQEKSELLVE[Gln350Pro]GRLQLQADRH